The following is an entry in ClinVar:

ClinVar aggregate classification (germline): Uncertain significance. Review status: criteria provided, multiple submitters, no conflicts (2 of 4 stars). 2 submissions from 2 submitters: Uncertain significance (2). Last evaluated 2025-05-16.

Allele frequency attached by ClinVar (database versions not stated): gnomAD 0.00002; gnomAD exomes 0.00002 and 0.00003; TOPMed 0.00002; ExAC 0.00006; ESP Exome Variant Server 0.00015.
gnomAD v4.1: 51 of 1,611,846 alleles (0.0032%); highest among the groups gnomAD compares: Non-Finnish European, 0.0042%; no homozygotes.

Submissions (2):

Ambry Genetics
Classification: Uncertain significance. Last evaluated: 2025-05-16. Review status: criteria provided, single submitter. Criteria: Ambry Variant Classification Scheme 2023. Collection method: clinical testing. Allele origin: germline.

Labcorp Genetics (formerly Invitae), Labcorp
Classification: Uncertain significance. Last evaluated: 2024-10-29. Review status: criteria provided, single submitter. Criteria: Invitae Variant Classification Sherloc (09022015). Collection method: clinical testing. Allele origin: germline.
Comment: This sequence change replaces arginine, which is basic and polar, with isoleucine, which is neutral and non-polar, at codon 161 of the SPP2 protein (p.Arg161Ile). This variant is present in population databases (rs375850205, gnomAD 0.005%). This variant has not been reported in the literature in individuals affected with SPP2-related conditions. ClinVar contains an entry for this variant (Variation ID: 1008026). An algorithm developed to predict the effect of missense changes on protein structure and function (PolyPhen-2) suggests that this variant is likely to be disruptive. In summary, the available evidence is currently insufficient to determine the role of this variant in disease. Therefore, it has been classified as a Variant of Uncertain Significance.

NM_006944.3(SPP2):c.482G>T (p.Arg161Ile)

Gene: SPP2 (secreted phosphoprotein 2; plus strand). Cytogenetic location: 2q37.1.
Variant type: single nucleotide variant.
Coding change: c.482G>T on transcript NM_006944.3 (MANE Select); coding-DNA position 482, G replaced by T.
Protein change: p.Arg161Ile; replaces arginine 161 with isoleucine.
Molecular consequence: missense variant.
Genome position (GRCh38, 1-based): chr2:234,066,570, G>T. VCF-style: chr2-234066570-G-T. GRCh37 (hg19) VCF-style: chr2-234975214-G-T.
Other names: c.482G>T (NM_006944.2); short protein forms R161I.
Identifiers: ClinVar variation 1008026 (VCV001008026.10), dbSNP rs375850205, ClinGen allele CA2183221.
Genomic context (GRCh38, chr2:234,066,570, plus strand): 5'-TCCTGATGCCTGAATTTCTTTAGATGATTTTTGGGGACATGTTGGGATCTCATAAATGGA[G>T]AAACAATTATCTATTTGGTAAGTTAAGATCTGTTCTTTTTAACTTTTTTTCTTAAAATAA-3'
Protein context (NP_008875.1, residues 151-171): FGDMLGSHKW[Arg161Ile]NNYLFGLISD